The following is an entry in ClinVar:

NM_001556.3(IKBKB):c.752G>C (p.Gly251Ala)

Gene: IKBKB (inhibitor of nuclear factor kappa B kinase subunit beta; plus strand). Cytogenetic location: 8p11.21.
Variant type: single nucleotide variant.
Coding change: c.752G>C on transcript NM_001556.3 (MANE Select); coding-DNA position 752, G replaced by C.
Protein change: p.Gly251Ala; replaces glycine 251 with alanine.
Molecular consequence: missense variant. On other transcripts: non-coding transcript variant (3).
Genome position (GRCh38, 1-based): chr8:42,314,381, G>C. VCF-style: chr8-42314381-G-C. GRCh37 (hg19) VCF-style: chr8-42171899-G-C.
Other names: c.560G>C, p.Gly187Ala (NM_001190720.3); c.575G>C, p.Gly192Ala (NM_001242778.2); short protein forms G251A, G192A, G187A.
Identifiers: ClinVar variation 852245 (VCV000852245.5), dbSNP rs1585747711, ClinGen allele CA371083201.

ClinVar aggregate classification (germline): Uncertain significance (1 of 4 stars; one submission).

Conditions:
Severe combined immunodeficiency due to IKK2 deficiency. Also called: Immunodeficiency 15; IMMUNODEFICIENCY 15B. Identifiers: Orphanet 397787, MedGen C4747743, MONDO:0014267, OMIM 615592.

Allele frequency attached by ClinVar (database versions not stated): gnomAD exomes 0.00001.
gnomAD v4.1: 4 of 1,613,978 alleles (0.00025%); highest among the groups gnomAD compares: East Asian, 0.0089%; no homozygotes.

Submission:

Labcorp Genetics (formerly Invitae), Labcorp
Classification: Uncertain significance for Severe combined immunodeficiency due to IKK2 deficiency. Last evaluated: 2019-02-13. Review status: criteria provided, single submitter. Criteria: Invitae Variant Classification Sherloc (09022015). Collection method: clinical testing. Allele origin: germline.
Comment: In summary, the available evidence is currently insufficient to determine the role of this variant in disease. Therefore, it has been classified as a Variant of Uncertain Significance. Algorithms developed to predict the effect of missense changes on protein structure and function (SIFT, PolyPhen-2, Align-GVGD) all suggest that this variant is likely to be disruptive, but these predictions have not been confirmed by published functional studies and their clinical significance is uncertain. This variant has not been reported in the literature in individuals with IKBKB-related conditions. This variant is not present in population databases (ExAC no frequency). This sequence change replaces glycine with alanine at codon 251 of the IKBKB protein (p.Gly251Ala). The glycine residue is highly conserved and there is a small physicochemical difference between glycine and alanine.